The following is an entry in ClinVar:

NM_003737.4(DCHS1):c.6584C>T (p.Ala2195Val)

Gene: DCHS1 (dachsous cadherin-related 1; minus strand). Cytogenetic location: 11p15.4.
Variant type: single nucleotide variant.
Coding change: c.6584C>T on transcript NM_003737.4 (MANE Select); coding-DNA position 6584, C replaced by T.
Protein change: p.Ala2195Val; replaces alanine 2195 with valine.
Molecular consequence: missense variant.
Genome position (GRCh38, 1-based): chr11:6,626,067, G>A on the plus strand (C>T on the coding strand, the complement: DCHS1 is on the minus strand). VCF-style: chr11-6626067-G-A. GRCh37 (hg19) VCF-style: chr11-6647298-G-A.
Other names: short protein forms A2195V.
Identifiers: ClinVar variation 3688715 (VCV003688715.2).

ClinVar aggregate classification (germline): Uncertain significance (1 of 4 stars; one submission).

gnomAD v4.1: 13 of 1,609,598 alleles (0.00081%); highest among the groups gnomAD compares: East Asian, 0.0045%; no homozygotes.

Submission:

Labcorp Genetics (formerly Invitae), Labcorp
Classification: Uncertain significance. Last evaluated: 2024-05-19. Review status: criteria provided, single submitter. Criteria: Invitae Variant Classification Sherloc (09022015). Collection method: clinical testing. Allele origin: germline.
Comment: This sequence change replaces alanine, which is neutral and non-polar, with valine, which is neutral and non-polar, at codon 2195 of the DCHS1 protein (p.Ala2195Val). The frequency data for this variant in the population databases is considered unreliable, as metrics indicate poor data quality at this position in the gnomAD database. This variant has not been reported in the literature in individuals affected with DCHS1-related conditions. Advanced modeling of protein sequence and biophysical properties (such as structural, functional, and spatial information, amino acid conservation, physicochemical variation, residue mobility, and thermodynamic stability) has been performed at Invitae for this missense variant, however the output from this modeling did not meet the statistical confidence thresholds required to predict the impact of this variant on DCHS1 protein function. In summary, the available evidence is currently insufficient to determine the role of this variant in disease. Therefore, it has been classified as a Variant of Uncertain Significance.